The following is an entry in ClinVar:

ClinVar aggregate classification (germline): Uncertain significance (1 of 4 stars; one submission).

Allele frequency attached by ClinVar (database versions not stated): TOPMed below 0.00001; ExAC 0.00001; gnomAD 0.00001; gnomAD exomes below 0.00001.
gnomAD v4.1: 7 of 1,614,000 alleles (0.00043%); highest among the groups gnomAD compares: Non-Finnish European, 0.00059%; no homozygotes.

Submission:

Labcorp Genetics (formerly Invitae), Labcorp
Classification: Uncertain significance. Last evaluated: 2022-08-06. Review status: criteria provided, single submitter. Criteria: Invitae Variant Classification Sherloc (09022015). Collection method: clinical testing. Allele origin: germline.
Comment: In summary, the available evidence is currently insufficient to determine the role of this variant in disease. Therefore, it has been classified as a Variant of Uncertain Significance. Algorithms developed to predict the effect of missense changes on protein structure and function (SIFT, PolyPhen-2, Align-GVGD) all suggest that this variant is likely to be disruptive. This variant has not been reported in the literature in individuals affected with LETM1-related conditions. This variant is present in population databases (rs753761356, gnomAD 0.0009%). This sequence change replaces aspartic acid, which is acidic and polar, with glutamic acid, which is acidic and polar, at codon 359 of the LETM1 protein (p.Asp359Glu).

NM_012318.3(LETM1):c.1077C>G (p.Asp359Glu)

Gene: LETM1 (leucine zipper and EF-hand containing transmembrane protein 1; minus strand). Cytogenetic location: 4p16.3.
Variant type: single nucleotide variant.
Coding change: c.1077C>G on transcript NM_012318.3 (MANE Select); coding-DNA position 1077, C replaced by G.
Protein change: p.Asp359Glu; replaces aspartic acid 359 with glutamic acid.
Molecular consequence: missense variant.
Genome position (GRCh38, 1-based): chr4:1,832,747, G>C on the plus strand (C>G on the coding strand, the complement: LETM1 is on the minus strand). VCF-style: chr4-1832747-G-C. GRCh37 (hg19) VCF-style: chr4-1834474-G-C.
Other names: short protein forms D359E.
Identifiers: ClinVar variation 2076713 (VCV002076713.4), dbSNP rs753761356, ClinGen allele CA2811438.